The following is an entry in ClinVar:

NM_002294.3(LAMP2):c.333T>C (p.Ile111=)

Gene: LAMP2 (lysosome associated membrane protein 2; minus strand). Cytogenetic location: Xq24.
Variant type: single nucleotide variant.
Coding change: c.333T>C on transcript NM_002294.3 (MANE Select); coding-DNA position 333, T replaced by C.
Protein change: p.Ile111=; no amino-acid change (isoleucine 111 retained).
Molecular consequence: synonymous variant.
Genome position (GRCh38, 1-based): chrX:120,455,421, A>G on the plus strand (T>C on the coding strand, the complement: LAMP2 is on the minus strand). VCF-style: chrX-120455421-A-G. GRCh37 (hg19) VCF-style: chrX-119589276-A-G.
Other names: c.333T>C, p.Ile111= (NM_001122606.1, NM_013995.2).
Identifiers: ClinVar variation 44425 (VCV000044425.14), dbSNP rs397516742, ClinGen allele CA134103.

ClinVar aggregate classification (germline): Likely benign. Review status: criteria provided, multiple submitters, no conflicts (2 of 4 stars). 4 submissions from 4 submitters: Likely benign (4). Last evaluated 2025-12-31.

Conditions:
Cardiovascular phenotype. Identifiers: MedGen CN230736.
Danon disease. Also called: ANTOPOL DISEASE; PSEUDOGLYCOGENOSIS II; GSD IIb; LYSOSOMAL GLYCOGEN STORAGE DISEASE WITHOUT ACID MALTASE DEFICIENCY; Glycogen Storage Disease Type IIb. Identifiers: Orphanet 34587, MedGen C0878677, MONDO:0010281, OMIM 300257.

Allele frequency attached by ClinVar (database versions not stated): gnomAD exomes below 0.00001.
gnomAD v4.1: 4 of 1,210,785 alleles (0.00033%); highest among the groups gnomAD compares: Non-Finnish European, 0.00034%; no homozygotes.

Submissions (4):

Labcorp Genetics (formerly Invitae), Labcorp
Classification: Likely benign for Danon disease. Last evaluated: 2025-12-31. Review status: criteria provided, single submitter. Criteria: Invitae Variant Classification Sherloc (09022015). Collection method: clinical testing. Allele origin: germline.

Ambry Genetics
Classification: Likely benign for Cardiovascular phenotype. Last evaluated: 2025-12-11. Review status: criteria provided, single submitter. Criteria: Ambry Variant Classification Scheme 2023. Collection method: clinical testing. Allele origin: germline.

Blueprint Genetics
Classification: Likely benign. Last evaluated: 2023-11-20. Review status: criteria provided, single submitter. Criteria: ACMG Guidelines, 2015. Collection method: clinical testing. Allele origin: germline.

Laboratory for Molecular Medicine, Mass General Brigham Personalized Medicine
Classification: Likely benign. Last evaluated: 2012-02-15. Review status: criteria provided, single submitter. Criteria: LMM Criteria. Collection method: clinical testing. Allele origin: germline. Observed: 2 variant alleles.
Comment: Ile111Ile in exon 3 of LAMP2: This variant is not expected to have clinical sig nificance because it does not alter an amino acid residue and is not located nea r a splice junction.